The following is an entry in ClinVar:

ClinVar aggregate classification (germline): Likely pathogenic (1 of 4 stars; one submission).

Conditions:
SCN2A-related disorder. Also called: SCN2A-related condition; SCN2A-related disorders. Identifiers: MedGen CN382226, MONDO:1060245.

Submission:

PreventionGenetics, part of Exact Sciences
Classification: Likely pathogenic for SCN2A-related condition. Last evaluated: 2023-03-07. Review status: criteria provided, single submitter. Criteria: ACMG Guidelines, 2015. Collection method: clinical testing. Allele origin: germline.
Comment: The SCN2A c.656T>C variant is predicted to result in the amino acid substitution p.Phe219Ser. This variant has been reported in an individual with developmental and epileptic encephalopathies and interpreted as likely pathogenic (Esterhuizen et al. 2023. PubMed ID: 36480001). This variant is not reported in a large population database, indicating this variant is rare. This variant is interpreted as likely pathogenic.

NM_001040142.2(SCN2A):c.656T>C (p.Phe219Ser)

Gene: SCN2A (sodium voltage-gated channel alpha subunit 2; plus strand). Cytogenetic location: 2q24.3.
Variant type: single nucleotide variant.
Coding change: c.656T>C on transcript NM_001040142.2 (MANE Select); coding-DNA position 656, T replaced by C.
Protein change: p.Phe219Ser; replaces phenylalanine 219 with serine.
Molecular consequence: missense variant. On other transcripts: intron variant (2).
Genome position (GRCh38, 1-based): chr2:165,309,402, T>C. VCF-style: chr2-165309402-T-C. GRCh37 (hg19) VCF-style: chr2-166165912-T-C.
Other names: c.656T>C, p.Phe219Ser (NM_001371247.1, NM_021007.3); c.697+146T>C (NM_001040143.2, NM_001371246.1); short protein forms F219S.
Identifiers: ClinVar variation 2633702 (VCV002633702.1), dbSNP rs2467887062, ClinGen allele CA349017479.